The following is an entry in ClinVar:

NM_002693.3(POLG):c.3646G>A (p.Glu1216Lys)

Genes: FANCI (FA complementation group I; plus strand), POLG (DNA polymerase gamma, catalytic subunit; minus strand). Cytogenetic location: 15q26.1.
Variant type: single nucleotide variant.
Coding change: c.3646G>A on transcript NM_002693.3 (MANE Select); coding-DNA position 3646, G replaced by A.
Protein change: p.Glu1216Lys; replaces glutamic acid 1216 with lysine.
Molecular consequence: missense variant. On other transcripts: 3 prime UTR variant (4).
Genome position (GRCh38, 1-based): chr15:89,316,825, C>T on the plus strand (G>A on the coding strand, the complement: POLG is on the minus strand). VCF-style: chr15-89316825-C-T. GRCh37 (hg19) VCF-style: chr15-89860056-C-T.
Other names: c.3646G>A, p.Glu1216Lys (NM_001126131.2); c.*366C>T (NM_001113378.2, NM_001376910.1, NM_001376911.1 and 1 more transcripts); short protein forms E1216K.
Identifiers: ClinVar variation 2864959 (VCV002864959.3), dbSNP rs1469896894, ClinGen allele CA393747067.

ClinVar aggregate classification (germline): Uncertain significance (1 of 4 stars; one submission).

Conditions:
Progressive sclerosing poliodystrophy (MTDPS4A). Also called: Mitochondrial DNA depletion syndrome 4A (Alpers type); ALPERS PROGRESSIVE INFANTILE POLIODYSTROPHY; NEURONAL DEGENERATION OF CHILDHOOD WITH LIVER DISEASE, PROGRESSIVE; Alpers Syndrome; ALPERS DIFFUSE DEGENERATION OF CEREBRAL GRAY MATTER WITH HEPATIC CIRRHOSIS; Alpers-Huttenlocher Syndrome. Identifiers: Orphanet 726, MedGen C0205710, MONDO:0008758, OMIM 203700.

Allele frequency attached by ClinVar (database versions not stated): gnomAD exomes below 0.00001; gnomAD 0.00001; TOPMed 0.00001.
gnomAD v4.1: 3 of 1,612,790 alleles (0.00019%); highest among the groups gnomAD compares: South Asian, 0.0022%; no homozygotes.

Submission:

Labcorp Genetics (formerly Invitae), Labcorp
Classification: Uncertain significance for Progressive sclerosing poliodystrophy. Last evaluated: 2023-07-16. Review status: criteria provided, single submitter. Criteria: Invitae Variant Classification Sherloc (09022015). Collection method: clinical testing. Allele origin: germline.
Comment: An algorithm developed to predict the effect of missense changes on protein structure and function (PolyPhen-2) suggests that this variant is likely to be disruptive. This sequence change replaces glutamic acid, which is acidic and polar, with lysine, which is basic and polar, at codon 1216 of the POLG protein (p.Glu1216Lys). This variant is not present in population databases (gnomAD no frequency). This variant has not been reported in the literature in individuals affected with POLG-related conditions. In summary, the available evidence is currently insufficient to determine the role of this variant in disease. Therefore, it has been classified as a Variant of Uncertain Significance.